The following is an entry in ClinVar:

NM_000312.4(PROC):c.632G>T (p.Arg211Leu)

Gene: PROC (protein C, inactivator of coagulation factors Va and VIIIa; plus strand). Cytogenetic location: 2q14.3.
Variant type: single nucleotide variant.
Coding change: c.632G>T on transcript NM_000312.4 (MANE Select); coding-DNA position 632, G replaced by T.
Protein change: p.Arg211Leu; replaces arginine 211 with leucine.
Molecular consequence: missense variant.
Genome position (GRCh38, 1-based): chr2:127,426,181, G>T. VCF-style: chr2-127426181-G-T. GRCh37 (hg19) VCF-style: chr2-128183757-G-T.
Other names: c.815G>T, p.Arg272Leu (NM_001375602.1); c.797G>T, p.Arg266Leu (NM_001375603.1); c.695G>T, p.Arg232Leu (NM_001375604.1); c.734G>T, p.Arg245Leu (NM_001375605.1); c.800G>T, p.Arg267Leu (NM_001375606.1); c.818G>T, p.Arg273Leu (NM_001375607.1); c.575G>T, p.Arg192Leu (NM_001375608.1); c.608G>T, p.Arg203Leu (NM_001375609.1); and 2 more; short protein forms R211L, R273L, R192L, R203L, R232L, R266L, R209L, R245L.
Identifiers: ClinVar variation 1040230 (VCV001040230.8), dbSNP rs199469476, ClinGen allele CA348401495.
Genomic context (GRCh38, chr2:127,426,181, plus strand): 5'-AGAAGAAGCGCAGTCACCTGAAACGAGACACAGAAGACCAAGAAGACCAAGTAGATCCGC[G>T]GCTCATTGATGGGAAGATGACCAGGCGGGGAGACAGCCCCTGGCAGGTGGGAGGCGAGGC-3'
Protein context (NP_000303.1, residues 201-221): TEDQEDQVDP[Arg211Leu]LIDGKMTRRG

ClinVar aggregate classification (germline): Uncertain significance (1 of 4 stars; one submission).

Conditions:
Thrombophilia due to protein C deficiency, autosomal dominant. Also called: PROC DEFICIENCY, AUTOSOMAL DOMINANT; PROTEIN C DEFICIENCY, AUTOSOMAL DOMINANT. Identifiers: Orphanet 745, MedGen C2674321, MONDO:0008316, OMIM 176860. Disease mechanism: loss of function.

Submission:

Labcorp Genetics (formerly Invitae), Labcorp
Classification: Uncertain significance for Thrombophilia due to protein C deficiency, autosomal dominant. Last evaluated: 2020-10-05. Review status: criteria provided, single submitter. Criteria: Invitae Variant Classification Sherloc (09022015). Collection method: clinical testing. Allele origin: germline.
Comment: In summary, the available evidence is currently insufficient to determine the role of this variant in disease. Therefore, it has been classified as a Variant of Uncertain Significance. This variant disrupts the p.Arg211 amino acid residue in PROC. Other variant(s) that disrupt this residue have been determined to be pathogenic (PMID: 10942114, 28111891, 3185623, 18954896, 24162787, 10805275, 8165644, 18573519). This suggests that this residue is clinically significant, and that variants that disrupt this residue are likely to be disease-causing. Algorithms developed to predict the effect of missense changes on protein structure and function are either unavailable or do not agree on the potential impact of this missense change (SIFT: "Tolerated"; PolyPhen-2: "Probably Damaging"; Align-GVGD: "Class C0"). This variant has not been reported in the literature in individuals with PROC-related conditions. This variant is not present in population databases (ExAC no frequency). This sequence change replaces arginine with leucine at codon 211 of the PROC protein (p.Arg211Leu). The arginine residue is moderately conserved and there is a moderate physicochemical difference between arginine and leucine.

Literature cited by the submitters: PubMed 10942114; PubMed 28111891; PubMed 3185623; PubMed 18954896; PubMed 24162787; PubMed 10805275; PubMed 8165644; PubMed 18573519.